The following is an entry in ClinVar:

ClinVar aggregate classification (germline): Uncertain significance (1 of 4 stars; one submission).

Conditions:
Cardiovascular phenotype. Identifiers: MedGen CN230736.

Submission:

Ambry Genetics
Classification: Uncertain significance for Cardiovascular phenotype. Last evaluated: 2025-02-15. Review status: criteria provided, single submitter. Criteria: Ambry Variant Classification Scheme 2023. Collection method: clinical testing. Allele origin: germline.
Comment: The p.K54N variant (also known as c.162G>C), located in coding exon 1 of the CBL gene, results from a G to C substitution at nucleotide position 162. The lysine at codon 54 is replaced by asparagine, an amino acid with similar properties. This amino acid position is conserved. In addition, the in silico prediction for this alteration is inconclusive. Based on the available evidence, the clinical significance of this variant remains unclear.

NM_005188.4(CBL):c.162G>C (p.Lys54Asn)

Genes: CBL (Cbl proto-oncogene; plus strand), LOC130006895 (ATAC-STARR-seq lymphoblastoid silent region 3975; plus strand). Cytogenetic location: 11q23.3.
Variant type: single nucleotide variant.
Coding change: c.162G>C on transcript NM_005188.4 (MANE Select); coding-DNA position 162, G replaced by C.
Protein change: p.Lys54Asn; replaces lysine 54 with asparagine.
Molecular consequence: missense variant.
Genome position (GRCh38, 1-based): chr11:119,206,579, G>C. VCF-style: chr11-119206579-G-C. GRCh37 (hg19) VCF-style: chr11-119077289-G-C.
Other names: short protein forms K54N.
Identifiers: ClinVar variation 3827849 (VCV003827849.1).